The following is an entry in ClinVar:

ClinVar aggregate classification (germline): Uncertain significance. Review status: criteria provided, multiple submitters, no conflicts (2 of 4 stars). 2 submissions from 2 submitters: Uncertain significance (2). Last evaluated 2025-07-11.

Conditions:
Autosomal dominant spastic paraplegia type 9. Identifiers: MedGen C1832669, MONDO:0015091.
Cutis laxa, autosomal dominant 3 (ADCL3). Identifiers: Orphanet 90348, MedGen C4225268, MONDO:0014706, OMIM 616603.
de Barsy syndrome. Also called: Cutis laxa-corneal clouding-oligophrenia syndrome. Identifiers: Orphanet 2962, MedGen C0268354, MONDO:0017569.
Inborn genetic diseases. Identifiers: MedGen C0950123, MeSH D030342.

gnomAD v4.1: 1 of 1,614,172 alleles (0.000062%); highest among the groups gnomAD compares: Non-Finnish European, 0.000085%; no homozygotes.

Submissions (2):

Labcorp Genetics (formerly Invitae), Labcorp
Classification: Uncertain significance for Autosomal dominant spastic paraplegia type 9; de Barsy syndrome; Cutis laxa, autosomal dominant 3. Last evaluated: 2025-07-11. Review status: criteria provided, single submitter. Criteria: Invitae Variant Classification Sherloc (09022015). Collection method: clinical testing. Allele origin: germline.
Comment: This sequence change replaces valine, which is neutral and non-polar, with isoleucine, which is neutral and non-polar, at codon 225 of the ALDH18A1 protein (p.Val225Ile). This variant is not present in population databases (gnomAD no frequency). This variant has not been reported in the literature in individuals affected with ALDH18A1-related conditions. Invitae Evidence Modeling of protein sequence and biophysical properties (such as structural, functional, and spatial information, amino acid conservation, physicochemical variation, residue mobility, and thermodynamic stability) indicates that this missense variant is not expected to disrupt ALDH18A1 protein function with a negative predictive value of 80%. In summary, the available evidence is currently insufficient to determine the role of this variant in disease. Therefore, it has been classified as a Variant of Uncertain Significance.

Ambry Genetics
Classification: Uncertain significance for Inborn genetic diseases. Last evaluated: 2025-06-07. Review status: criteria provided, single submitter. Criteria: Ambry Variant Classification Scheme 2023. Collection method: clinical testing. Allele origin: germline.

NM_002860.4(ALDH18A1):c.673G>A (p.Val225Ile)

Gene: ALDH18A1 (aldehyde dehydrogenase 18 family member A1; minus strand). Cytogenetic location: 10q24.1.
Variant type: single nucleotide variant.
Coding change: c.673G>A on transcript NM_002860.4 (MANE Select); coding-DNA position 673, G replaced by A.
Protein change: p.Val225Ile; replaces valine 225 with isoleucine.
Molecular consequence: missense variant.
Genome position (GRCh38, 1-based): chr10:95,633,535, C>T on the plus strand (G>A on the coding strand, the complement: ALDH18A1 is on the minus strand). VCF-style: chr10-95633535-C-T. GRCh37 (hg19) VCF-style: chr10-97393292-C-T.
Other names: c.673G>A, p.Val225Ile (NM_001017423.2, NM_001323413.2, NM_001323414.2 and 1 more transcripts); c.340G>A, p.Val114Ile (NM_001323412.2, NM_001323416.2, NM_001323418.2); c.568G>A, p.Val190Ile (NM_001323417.2); c.37G>A, p.Val13Ile (NM_001323419.2); short protein forms V225I, V114I, V13I, V190I.
Identifiers: ClinVar variation 4036677 (VCV004036677.2).